The following is an entry in ClinVar:

ClinVar aggregate classification (germline): Likely benign. Review status: criteria provided, multiple submitters, no conflicts (2 of 4 stars). 3 submissions from 3 submitters: Likely benign (2). 1 of the submissions does not count toward it. Last evaluated 2024-08-20.

Conditions:
Inborn genetic diseases. Identifiers: MedGen C0950123, MeSH D030342.
RERE-related disorder. Also called: RERE-related condition; RERE-Related Disorders. Identifiers: MedGen CN381537.

Allele frequency attached by ClinVar (database versions not stated): gnomAD 0.00011; ExAC 0.00018; 1000 Genomes Project 30x 0.00031; 1000 Genomes Project 0.00040.
gnomAD v4.1: 146 of 1,614,208 alleles (0.009%); highest among the groups gnomAD compares: East Asian, 0.1%; no homozygotes.

Submissions (3):

Labcorp Genetics (formerly Invitae), Labcorp
Classification: Likely benign. Last evaluated: 2024-08-20. Review status: criteria provided, single submitter. Criteria: Invitae Variant Classification Sherloc (09022015). Collection method: clinical testing. Allele origin: germline.

Ambry Genetics
Classification: Likely benign for Inborn genetic diseases. Last evaluated: 2022-07-12. Review status: criteria provided, single submitter. Criteria: Ambry Variant Classification Scheme 2023. Collection method: clinical testing. Allele origin: germline.

PreventionGenetics, part of Exact Sciences
Classification: Likely benign for RERE-related condition. Last evaluated: 2023-07-09. Review status: no assertion criteria provided. Collection method: clinical testing. Allele origin: germline. Not counted in ClinVar's aggregate classification.
Comment: This variant is classified as likely benign based on ACMG/AMP sequence variant interpretation guidelines (Richards et al. 2015 PMID: 25741868, with internal and published modifications).

NM_001042681.2(RERE):c.1808A>G (p.Asn603Ser)

Gene: RERE (arginine-glutamic acid dipeptide repeats; minus strand). Cytogenetic location: 1p36.23.
Variant type: single nucleotide variant.
Coding change: c.1808A>G on transcript NM_001042681.2 (MANE Select); coding-DNA position 1808, A replaced by G.
Protein change: p.Asn603Ser; replaces asparagine 603 with serine.
Molecular consequence: missense variant.
Genome position (GRCh38, 1-based): chr1:8,362,777, T>C on the plus strand (A>G on the coding strand, the complement: RERE is on the minus strand). VCF-style: chr1-8362777-T-C. GRCh37 (hg19) VCF-style: chr1-8422837-T-C.
Other names: c.146A>G, p.Asn49Ser (NM_001042682.2); c.1808A>G, p.Asn603Ser (NM_012102.4); short protein forms N603S, N49S.
Identifiers: ClinVar variation 2322266 (VCV002322266.6), dbSNP rs200477297, ClinGen allele CA571541.